The following is an entry in ClinVar:

ClinVar aggregate classification (germline): Likely pathogenic (1 of 4 stars; one submission).

Conditions:
Thrombocytopenia 1. Also called: X-Linked Thrombocytopenia (XLT); THROMBOCYTOPENIA, X-LINKED, 1; X-linked thrombocytopenia with normal platelets. Identifiers: Orphanet 268322, Orphanet 852, MedGen C1839163, MONDO:0010743, OMIM 313900.
Wiskott-Aldrich syndrome (WAS). Also called: WISKOTT-ALDRICH SYNDROME 1; ALDRICH SYNDROME; IMMUNODEFICIENCY 2; Wiskott-aldrich syndrome, somatic. Identifiers: Orphanet 906, MedGen C0043194, MONDO:0010518, OMIM 301000.
X-linked severe congenital neutropenia (SCNX). Identifiers: Orphanet 86788, MedGen C1845987, MONDO:0010294, OMIM 300299.

Submission:

Juno Genomics, Hangzhou Juno Genomics, Inc
Classification: Likely pathogenic for Wiskott-Aldrich syndrome; Thrombocytopenia 1; X-linked severe congenital neutropenia. Review status: criteria provided, single submitter. Criteria: ACMG Guidelines, 2015. Collection method: clinical testing. Allele origin: germline.
Comment: Absent from controls (or at extremely low frequency if recessive) in Genome Aggregation Database.;Null variant in a gene where loss of function (LOF) is a known mechanism of disease.

NM_000377.3(WAS):c.711dup (p.Ile238fs)

Gene: WAS (WASP actin nucleation promoting factor; plus strand). Cytogenetic location: Xp11.23.
Variant type: Duplication.
Coding change: c.711dup on transcript NM_000377.3 (MANE Select); coding-DNA position 711, one base duplicated (T; older notation c.711dupT).
Protein change: p.Ile238fs; shifts the reading frame from isoleucine 238.
Molecular consequence: frameshift variant.
Genome position (GRCh38, 1-based): chrX:48,686,932, T duplicated. VCF-style (leftmost placement, unchanged base first): chrX-48686931-A-AT. GRCh37 (hg19) VCF-style: chrX-48545320-A-AT.
Other names: c.711dup, p.Ile238fs (NM_001438876.1, NM_001438877.1, NM_001438878.1 and 1 more transcripts); short protein forms I238fs.
Identifiers: ClinVar variation 5020003 (VCV005020003.2).